The following is an entry in ClinVar:

ClinVar aggregate classification (germline): Uncertain significance (1 of 4 stars; one submission).

gnomAD v4.1: 14 of 1,613,744 alleles (0.00087%); highest among the groups gnomAD compares: Middle Eastern, 0.033%; no homozygotes.

Submission:

Labcorp Genetics (formerly Invitae), Labcorp
Classification: Uncertain significance. Last evaluated: 2023-05-24. Review status: criteria provided, single submitter. Criteria: Invitae Variant Classification Sherloc (09022015). Collection method: clinical testing. Allele origin: germline.
Comment: This sequence change replaces arginine, which is basic and polar, with leucine, which is neutral and non-polar, at codon 745 of the FCHO1 protein (p.Arg745Leu). This variant is present in population databases (no rsID available, gnomAD 0.03%). This variant has not been reported in the literature in individuals affected with FCHO1-related conditions. An algorithm developed to predict the effect of missense changes on protein structure and function (PolyPhen-2) suggests that this variant¬† is likely to be tolerated. Algorithms developed to predict the effect of sequence changes on RNA splicing suggest that this variant may create or strengthen a splice site. In summary, the available evidence is currently insufficient to determine the role of this variant in disease. Therefore, it has been classified as a Variant of Uncertain Significance.

NM_015122.3(FCHO1):c.2234G>T (p.Arg745Leu)

Gene: FCHO1 (FCH and mu domain containing endocytic adaptor 1; plus strand). Cytogenetic location: 19p13.11.
Variant type: single nucleotide variant.
Coding change: c.2234G>T on transcript NM_015122.3 (MANE Select); coding-DNA position 2234, G replaced by T.
Protein change: p.Arg745Leu; replaces arginine 745 with leucine.
Molecular consequence: missense variant. On other transcripts: non-coding transcript variant (35), intron variant (6).
Genome position (GRCh38, 1-based): chr19:17,784,732, G>T. VCF-style: chr19-17784732-G-T. GRCh37 (hg19) VCF-style: chr19-17895541-G-T.
Other names: c.2234G>T, p.Arg745Leu (NM_001161357.2, NM_001161358.2, NM_001384370.1 and 11 more transcripts); c.2084G>T, p.Arg695Leu (NM_001161359.2, NM_001384384.1, NM_001384385.1 and 1 more transcripts); c.2195G>T, p.Arg732Leu (NM_001384388.1, NM_001384389.1); c.2159G>T, p.Arg720Leu (NM_001384390.1); c.2117G>T, p.Arg706Leu (NM_001384392.1, NM_001384393.1, NM_001384394.1 and 1 more transcripts); c.1958G>T, p.Arg653Leu (NM_001384396.1, NM_001384397.1, NM_001384398.1 and 4 more transcripts); c.1913G>T, p.Arg638Leu (NM_001384403.1); c.1950+497G>T (NM_001384404.1); and 5 more; short protein forms R638L, R706L, R720L, R732L, R745L, R653L, R695L.
Identifiers: ClinVar variation 2968354 (VCV002968354.1), dbSNP rs151277101, ClinGen allele CA404757727.